The following is an entry in ClinVar:

NM_000404.4(GLB1):c.835del (p.Gln279fs)

Gene: GLB1 (galactosidase beta 1; minus strand). Cytogenetic location: 3p22.3.
Variant type: Deletion.
Coding change: c.835del on transcript NM_000404.4 (MANE Select); coding-DNA position 835, one base deleted (C; older notation c.835delC).
Protein change: p.Gln279fs; shifts the reading frame from glutamine 279.
Molecular consequence: frameshift variant.
Genome position (GRCh38, 1-based): chr3:33,051,962, G deleted on the plus strand (C on the coding strand, the reverse complement: GLB1 is on the minus strand); the first of 2 consecutive G bases (chr3:33,051,962-33,051,963); deleting either gives the same sequence. VCF-style (leftmost placement, unchanged base first): chr3-33051961-TG-T. GRCh37 (hg19) VCF-style: chr3-33093453-TG-T.
Other names: c.745del, p.Gln249fs (NM_001079811.3); c.442del, p.Gln148fs (NM_001135602.3); c.979del, p.Gln327fs (NM_001317040.2); c.835del, p.Gln279fs (NM_001393580.1); short protein forms Q148fs, Q249fs, Q279fs, Q327fs.
Identifiers: ClinVar variation 1724395 (VCV001724395.3), dbSNP rs2471375071, ClinGen allele CA2580069276.

ClinVar aggregate classification (germline): Likely pathogenic (1 of 4 stars; one submission).

Conditions:
GLB1-related disorder. Also called: GLB1-related disorders. Identifiers: MedGen CN377807.

Submission:

Myriad Genetics, Inc.
Classification: Likely pathogenic for GLB1-related disorder. Last evaluated: 2021-11-11. Review status: criteria provided, single submitter. Criteria: Myriad Autosomal Dominant, Autosomal Recessive and X-Linked Classification Criteria (2023). Collection method: clinical testing. Allele origin: unknown.
Comment: NM_000404.2(GLB1):c.835delC(Q279Nfs*25) is expected to be pathogenic in the context of GLB1-related disorders. This variant is predicted to lead to an abnormal or absent protein product due to the creation of a premature termination codon in GLB1, a gene where loss-of-function variants are known to be pathogenic. Please note: this variant was assessed in the context of healthy population screening.